The following is an entry in ClinVar:

NM_000214.3(JAG1):c.1755C>G (p.Asn585Lys)

Gene: JAG1 (jagged canonical Notch ligand 1; minus strand). Cytogenetic location: 20p12.2.
Variant type: single nucleotide variant.
Coding change: c.1755C>G on transcript NM_000214.3 (MANE Select); coding-DNA position 1755, C replaced by G.
Protein change: p.Asn585Lys; replaces asparagine 585 with lysine.
Molecular consequence: missense variant.
Genome position (GRCh38, 1-based): chr20:10,647,069, G>C on the plus strand (C>G on the coding strand, the complement: JAG1 is on the minus strand). VCF-style: chr20-10647069-G-C. GRCh37 (hg19) VCF-style: chr20-10627717-G-C.
Other names: short protein forms N585K.
Identifiers: ClinVar variation 1318821 (VCV001318821.2), dbSNP rs142808131, ClinGen allele CA408236215.

ClinVar aggregate classification (germline): Uncertain significance (1 of 4 stars; one submission).

Submission:

GeneDx
Classification: Uncertain significance. Last evaluated: 2019-08-14. Review status: criteria provided, single submitter. Criteria: GeneDx Variant Classification Process June 2021. Collection method: clinical testing. Allele origin: germline. Affected: yes.
Comment: Not observed in large population cohorts (Lek et al., 2016); In silico analysis, which includes protein predictors and evolutionary conservation, supports a deleterious effect; Has not been previously published as pathogenic or benign to our knowledge